The following is an entry in ClinVar:

NM_005585.5(SMAD6):c.356G>A (p.Ser119Asn)

Gene: SMAD6 (SMAD family member 6; plus strand). Cytogenetic location: 15q22.31.
Variant type: single nucleotide variant.
Coding change: c.356G>A on transcript NM_005585.5 (MANE Select); coding-DNA position 356, G replaced by A.
Protein change: p.Ser119Asn; replaces serine 119 with asparagine.
Molecular consequence: missense variant. On other transcripts: non-coding transcript variant (1).
Genome position (GRCh38, 1-based): chr15:66,703,614, G>A. VCF-style: chr15-66703614-G-A. GRCh37 (hg19) VCF-style: chr15-66995952-G-A.
Other names: short protein forms S119N.
Identifiers: ClinVar variation 2768295 (VCV002768295.3), dbSNP rs1893031414, ClinGen allele CA392949376.

ClinVar aggregate classification (germline): Uncertain significance (1 of 4 stars; one submission).

Conditions:
Aortic valve disease 2 (AOVD2). Identifiers: MedGen C3542024, MONDO:0013902, OMIM 614823.

gnomAD v4.1: 1 of 1,230,568 alleles (0.000081%); highest among the groups gnomAD compares: East Asian, 0.0033%; no homozygotes.

Submission:

Labcorp Genetics (formerly Invitae), Labcorp
Classification: Uncertain significance for Aortic valve disease 2. Last evaluated: 2023-06-16. Review status: criteria provided, single submitter. Criteria: Invitae Variant Classification Sherloc (09022015). Collection method: clinical testing. Allele origin: germline.
Comment: In summary, the available evidence is currently insufficient to determine the role of this variant in disease. Therefore, it has been classified as a Variant of Uncertain Significance. An algorithm developed to predict the effect of missense changes on protein structure and function (PolyPhen-2) suggests that this variant is likely to be tolerated. This variant has not been reported in the literature in individuals affected with SMAD6-related conditions. This variant is not present in population databases (gnomAD no frequency). This sequence change replaces serine, which is neutral and polar, with asparagine, which is neutral and polar, at codon 119 of the SMAD6 protein (p.Ser119Asn).